The following is an entry in ClinVar:

ClinVar aggregate classification (germline): Uncertain significance (1 of 4 stars; one submission).

Conditions:
Neurofibromatosis, type 1 (NF1). Also called: Peripheral type neurofibromatosis; NEUROFIBROMATOSIS, TYPE I, SOMATIC; VON RECKLINGHAUSEN DISEASE; Neurofibromatosis, type I. Identifiers: Orphanet 636, MedGen C0027831, MONDO:0018975, OMIM 162200. Disease mechanism: loss of function.

Submission:

Labcorp Genetics (formerly Invitae), Labcorp
Classification: Uncertain significance for Neurofibromatosis, type 1. Last evaluated: 2025-05-05. Review status: criteria provided, single submitter. Criteria: Invitae Variant Classification Sherloc (09022015). Collection method: clinical testing. Allele origin: germline.
Comment: This sequence change replaces leucine, which is neutral and non-polar, with phenylalanine, which is neutral and non-polar, at codon 713 of the NF1 protein (p.Leu713Phe). This variant is not present in population databases (gnomAD no frequency). This variant has not been reported in the literature in individuals affected with NF1-related conditions. ClinVar contains an entry for this variant (Variation ID: 3628028). Invitae Evidence Modeling of protein sequence and biophysical properties (such as structural, functional, and spatial information, amino acid conservation, physicochemical variation, residue mobility, and thermodynamic stability) has been performed for this missense variant. However, the output from this modeling did not meet the statistical confidence thresholds required to predict the impact of this variant on NF1 protein function. In summary, the available evidence is currently insufficient to determine the role of this variant in disease. Therefore, it has been classified as a Variant of Uncertain Significance.

NM_001042492.3(NF1):c.2137C>T (p.Leu713Phe)

Gene: NF1 (neurofibromin 1; plus strand). Cytogenetic location: 17q11.2.
Variant type: single nucleotide variant.
Coding change: c.2137C>T on transcript NM_001042492.3 (MANE Select); coding-DNA position 2137, C replaced by T.
Protein change: p.Leu713Phe; replaces leucine 713 with phenylalanine.
Molecular consequence: missense variant.
Genome position (GRCh38, 1-based): chr17:31,226,570, C>T. VCF-style: chr17-31226570-C-T. GRCh37 (hg19) VCF-style: chr17-29553588-C-T.
Other names: c.2137C>T, p.Leu713Phe (NM_000267.4); short protein forms L713F.
Identifiers: ClinVar variation 3628028 (VCV003628028.2).
Genomic context (GRCh38, chr17:31,226,570, plus strand): 5'-ATGTTTCTGTGGAACCCTGACACTGAAGCTGTTCTGGTTGCCATGTCCTGTTTCCGCCAC[C>T]TCTGTGAGGAAGCAGATATCCGGTGTGGGGTGGATGAAGTGTCAGTGCATAACCTCTTGC-3'
Protein context (NP_001035957.1, residues 703-723): VLVAMSCFRH[Leu713Phe]CEEADIRCGV